The following is an entry in ClinVar:

NM_001040616.3(LINS1):c.842C>G (p.Ser281Cys)

Gene: LINS1 (lines homolog 1; minus strand). Cytogenetic location: 15q26.3.
Variant type: single nucleotide variant.
Coding change: c.842C>G on transcript NM_001040616.3 (MANE Select); coding-DNA position 842, C replaced by G.
Protein change: p.Ser281Cys; replaces serine 281 with cysteine.
Molecular consequence: missense variant. On other transcripts: non-coding transcript variant (3).
Genome position (GRCh38, 1-based): chr15:100,574,031, G>C on the plus strand (C>G on the coding strand, the complement: LINS1 is on the minus strand). VCF-style: chr15-100574031-G-C. GRCh37 (hg19) VCF-style: chr15-101114236-G-C.
Other names: c.95C>G, p.Ser32Cys (NM_001352507.2); c.797C>G, p.Ser266Cys (NM_001352508.2); short protein forms S281C, S266C, S32C.
Identifiers: ClinVar variation 589437 (VCV000589437.30), dbSNP rs779725468, ClinGen allele CA7759587.
Genomic context (GRCh38, chr15:100,574,031, plus strand): 5'-ATGATGACCTTCCTTTTAACAAAAGCCTGAATAGGCCAGGTAATAACTTCTAGCATGCAA[G>C]ATGGTTTCAAAAATAAAATCCTCTGGCAAGTGAAATGTAACTTCAGGTGGATTCTGGAGG-3'
Protein context (NP_001035706.2, residues 271-291): TCQRILFLKP[Ser281Cys]CMLEVITWPI

ClinVar aggregate classification (germline): Uncertain significance. Review status: criteria provided, single submitter (1 of 4 stars). 2 submissions from 2 submitters: Uncertain significance (1). 1 of the submissions does not count toward it. Last evaluated 2016-10-28.

Conditions:
Inborn genetic diseases. Identifiers: MedGen C0950123, MeSH D030342.

Allele frequency attached by ClinVar (database versions not stated): gnomAD exomes 0.00005 and 0.00007; ExAC 0.00006; TOPMed 0.00002; gnomAD 0.00003.
gnomAD v4.1: 103 of 1,613,886 alleles (0.0064%); highest among the groups gnomAD compares: Middle Eastern, 0.033%; no homozygotes.

Submissions (2):

Ambry Genetics
Classification: Uncertain significance for Inborn genetic diseases. Last evaluated: 2016-10-28. Review status: criteria provided, single submitter. Criteria: Ambry Variant Classification Scheme 2023. Collection method: clinical testing. Allele origin: germline.
Comment: The p.S281C variant (also known as c.842C>G), located in coding exon 4 of the LINS gene, results from a C to G substitution at nucleotide position 842. The serine at codon 281 is replaced by cysteine, an amino acid with dissimilar properties. This variant was not reported in population based cohorts in the following databases: Database of Single Nucleotide Polymorphisms (dbSNP), NHLBI Exome Sequencing Project (ESP), and 1000 Genomes Project. In the ESP, this variant was not observed in 6503 samples (13006 alleles) with coverage at this position. This amino acid position is well conserved in available vertebrate species. In addition, this alteration is predicted to be tolerated by in silico analysis. Since supporting evidence is limited at this time, the clinical significance of this variant remains unclear.

Human Genome and Stem Cell Research Center, Department of Genetics and Evolutionary Biology, Institute of Biosciences, University of São Paulo
Classification: Uncertain significance. Last evaluated: 2023-02-08. Review status: no assertion criteria provided. Collection method: research. Allele origin: de novo. Affected: yes. Not counted in ClinVar's aggregate classification.